The following is an entry in ClinVar:

NM_139321.3(ATRN):c.4106T>A (p.Leu1369His)

Gene: ATRN (attractin; plus strand). Cytogenetic location: 20p13.
Variant type: single nucleotide variant.
Coding change: c.4106T>A on transcript NM_139321.3 (MANE Select); coding-DNA position 4106, T replaced by A.
Protein change: p.Leu1369His; replaces leucine 1369 with histidine.
Molecular consequence: missense variant.
Genome position (GRCh38, 1-based): chr20:3,644,209, T>A. VCF-style: chr20-3644209-T-A. GRCh37 (hg19) VCF-style: chr20-3624856-T-A.
Other names: short protein forms L1369H.
Identifiers: ClinVar variation 1394532 (VCV001394532.6), dbSNP rs925260826, ClinGen allele CA310980447.

ClinVar aggregate classification (germline): Uncertain significance (1 of 4 stars; one submission).

Allele frequency attached by ClinVar (database versions not stated): TOPMed below 0.00001; gnomAD 0.00001.
gnomAD v4.1: 2 of 1,614,080 alleles (0.00012%); highest among the groups gnomAD compares: African/African-American, 0.0013%; no homozygotes.

Submission:

Labcorp Genetics (formerly Invitae), Labcorp
Classification: Uncertain significance. Last evaluated: 2022-06-13. Review status: criteria provided, single submitter. Criteria: Invitae Variant Classification Sherloc (09022015). Collection method: clinical testing. Allele origin: germline.
Comment: Algorithms developed to predict the effect of missense changes on protein structure and function (SIFT, PolyPhen-2, Align-GVGD) all suggest that this variant is likely to be disruptive. In summary, the available evidence is currently insufficient to determine the role of this variant in disease. Therefore, it has been classified as a Variant of Uncertain Significance. This variant has not been reported in the literature in individuals affected with ATRN-related conditions. This variant is not present in population databases (gnomAD no frequency). This sequence change replaces leucine, which is neutral and non-polar, with histidine, which is basic and polar, at codon 1369 of the ATRN protein (p.Leu1369His).